The following is an entry in ClinVar:

ClinVar aggregate classification (germline): Pathogenic/Likely pathogenic. Review status: criteria provided, multiple submitters, no conflicts (2 of 4 stars). 6 submissions from 5 submitters: Pathogenic (2); Likely pathogenic (3). 1 of the submissions does not count toward it. Last evaluated 2026-02-18.

Conditions:
Retinal dystrophy. Also called: Inherited retinal dystrophy. Identifiers: Orphanet 71862, MedGen C0854723, MeSH D058499, MONDO:0019118, HP:0000556.
Stargardt disease (FFM). Also called: Stargardt's disease; Fundus flavimaculatus. Identifiers: Orphanet 827, MedGen C0271093, MONDO:0019353.
Severe early-childhood-onset retinal dystrophy (STGD1). Also called: Stargardt macular dystrophy; Juvenile onset macular degeneration; Stargardt disease 1; STGD; MACULAR DYSTROPHY WITH FLECKS, TYPE 1. Identifiers: Orphanet 364055, Orphanet 827, MedGen C1855465, MeSH D000080362, MONDO:0009549, OMIM 248200.

Allele frequency attached by ClinVar (database versions not stated): gnomAD exomes below 0.00001.
gnomAD v4.1: 2 of 1,614,186 alleles (0.00012%); highest among the groups gnomAD compares: South Asian, 0.0011%; no homozygotes.

Submissions (6):

Women's Health and Genetics/Laboratory Corporation of America, LabCorp
Classification: Pathogenic for Stargardt disease. Last evaluated: 2026-02-18. Review status: criteria provided, single submitter. Criteria: LabCorp Variant Classification Summary - May 2015. Collection method: clinical testing. Allele origin: germline.
Comment: Variant summary: ABCA4 c.4979C>T (p.Pro1660Leu) results in a non-conservative amino acid change in the encoded protein sequence. Algorithms developed to predict the effect of missense changes on protein structure and function all suggest that this variant is likely to be disruptive. The variant was absent in 251454 control chromosomes. c.4979C>T has been observed in the homozygous state in multiple individual(s) affected with Stargardt Disease (example, Schulz_2017, Khan_2020). These data indicate that the variant is likely to be associated with disease. A different variant affecting the same codon has been classified as likely pathogenic/pathogenic by our lab (c.4978C>T, p.Pro1660Ser), supporting the critical relevance of codon 1660 to ABCA4 protein function. The following publications have been ascertained in the context of this evaluation (PMID: 28118664, 32307445). ClinVar contains an entry for this variant (Variation ID: 236123). Based on the evidence outlined above, the variant was classified as pathogenic.

Labcorp Genetics (formerly Invitae), Labcorp
Classification: Pathogenic. Last evaluated: 2024-12-05. Review status: criteria provided, single submitter. Criteria: Invitae Variant Classification Sherloc (09022015). Collection method: clinical testing. Allele origin: germline.
Comment: This sequence change replaces proline, which is neutral and non-polar, with leucine, which is neutral and non-polar, at codon 1660 of the ABCA4 protein (p.Pro1660Leu). This variant is not present in population databases (gnomAD no frequency). This missense change has been observed in individuals with Stargardt Disease (PMID: 28118664, 32307445). ClinVar contains an entry for this variant (Variation ID: 236123). Invitae Evidence Modeling of protein sequence and biophysical properties (such as structural, functional, and spatial information, amino acid conservation, physicochemical variation, residue mobility, and thermodynamic stability) indicates that this missense variant is expected to disrupt ABCA4 protein function with a positive predictive value of 95%. This variant disrupts the p.Pro1660 amino acid residue in ABCA4. Other variant(s) that disrupt this residue have been determined to be pathogenic (PMID: 22247458; internal data). This suggests that this residue is clinically significant, and that variants that disrupt this residue are likely to be disease-causing. For these reasons, this variant has been classified as Pathogenic.

3billion
Classification: Likely pathogenic for Severe early-childhood-onset retinal dystrophy. Last evaluated: 2024-05-02. Review status: criteria provided, single submitter. Criteria: ACMG Guidelines, 2015. Collection method: clinical testing. Allele origin: germline. Affected: yes.
Comment: The variant is observed at an extremely low frequency in the gnomAD v4.0.0 dataset (total allele frequency: <0.001%). Predicted Consequence/Location: Missense variant In silico tool predictions suggest damaging effect of the variant on gene or gene product [REVEL: 0.91 (>=0.6, sensitivity 0.68 and specificity 0.92); 3Cnet: 0.87 (>=0.6, sensitivity 0.72 and precision 0.9)]. Same nucleotide change resulting in same amino acid change has been previously reported to be associated with ABCA4 related disorder (ClinVar ID: VCV000236123 /PMID: 28118664 /3billion dataset).Different missense changes at the same codon (p.Pro1660Arg, p.Pro1660Ser) have been reported as pathogenic/likely pathogenic with strong evidence (ClinVar ID: VCV001048159, VCV001066209 /PMID: 22247458). Therefore, this variant is classified as Likely pathogenic according to the recommendation of ACMG/AMP guideline.

Institute of Human Genetics, Univ. Regensburg, Univ. Regensburg
Classification: Likely pathogenic for Severe early-childhood-onset retinal dystrophy. Last evaluated: 2016-01-01. Review status: criteria provided, single submitter. Criteria: Schulz et al. (Invest Ophthalmol Vis Sci. 2017). Collection method: clinical testing. Allele origin: germline. Affected: yes. Observed: 1 homozygote.

Institute of Human Genetics, Univ. Regensburg, Univ. Regensburg
Classification: Likely pathogenic for Retinal dystrophy. Last evaluated: 2011-01-01. Review status: criteria provided, single submitter. Criteria: ACMG Guidelines, 2015. Collection method: clinical testing. Allele origin: germline. Affected: yes.

Sharon lab, Hadassah-Hebrew University Medical Center
Classification: Pathogenic for Stargardt disease. Last evaluated: 2019-06-23. Review status: no assertion criteria provided. Collection method: research. Allele origin: inherited. Affected: yes. Not counted in ClinVar's aggregate classification.

Literature cited by the submitters: PubMed 32307445 (cited by 3 submitters); PubMed 28118664 (cited by 4 submitters); PubMed 22247458 (cited by Labcorp Genetics (formerly Invitae), Labcorp and 3billion); PubMed 31456290 (cited by Institute of Human Genetics, Univ. Regensburg, Univ. Regensburg); PubMed 35775617 (cited by Institute of Human Genetics, Univ. Regensburg, Univ. Regensburg).

NM_000350.3(ABCA4):c.4979C>T (p.Pro1660Leu)

Genes: ABCA4 (ATP binding cassette subfamily A member 4; minus strand), LOC126805793 (CDK7 strongly-dependent group 2 enhancer GRCh37_chr1:94486302-94487501; plus strand). Cytogenetic location: 1p22.1.
Variant type: single nucleotide variant.
Coding change: c.4979C>T on transcript NM_000350.3 (MANE Select); coding-DNA position 4979, C replaced by T.
Protein change: p.Pro1660Leu; replaces proline 1660 with leucine.
Molecular consequence: missense variant.
Genome position (GRCh38, 1-based): chr1:94,021,279, G>A on the plus strand (C>T on the coding strand, the complement: ABCA4 is on the minus strand). VCF-style: chr1-94021279-G-A. GRCh37 (hg19) VCF-style: chr1-94486835-G-A.
Other names: c.4757C>T, p.Pro1586Leu (NM_001425324.1); short protein forms P1660L, P1586L.
Identifiers: ClinVar variation 236123 (VCV000236123.8), dbSNP rs886044746, ClinGen allele CA10602425.